The following is an entry in ClinVar:

ClinVar aggregate classification (germline): Benign/Likely benign. Review status: criteria provided, multiple submitters, no conflicts (2 of 4 stars). 3 submissions from 3 submitters: Benign (1); Likely benign (2). Last evaluated 2025-02-01.

Conditions:
Inborn genetic diseases. Identifiers: MedGen C0950123, MeSH D030342.

Allele frequency attached by ClinVar (database versions not stated): ExAC 0.00118; 1000 Genomes Project 0.00140; 1000 Genomes Project 30x 0.00141; gnomAD 0.00199.

Submissions (3):

CeGaT Center for Human Genetics Tuebingen
Classification: Benign. Last evaluated: 2025-02-01. Review status: criteria provided, single submitter. Criteria: CeGaT Center For Human Genetics Tuebingen Variant Classification Criteria Version 2. Collection method: clinical testing. Allele origin: germline. Affected: yes. Observed: 5 variant alleles.
Comment: KRT6C: BS1, BS2

Blueprint Genetics
Classification: Likely benign. Last evaluated: 2024-10-10. Review status: criteria provided, single submitter. Criteria: ACMG Guidelines, 2015. Collection method: clinical testing. Allele origin: germline.

Ambry Genetics
Classification: Likely benign for Inborn genetic diseases. Last evaluated: 2023-04-26. Review status: criteria provided, single submitter. Criteria: Ambry Variant Classification Scheme 2023. Collection method: clinical testing. Allele origin: germline.

NM_173086.5(KRT6C):c.106A>G (p.Ile36Val)

Gene: KRT6C (keratin 6C; minus strand). Cytogenetic location: 12q13.13.
Variant type: single nucleotide variant.
Coding change: c.106A>G on transcript NM_173086.5 (MANE Select); coding-DNA position 106, A replaced by G.
Protein change: p.Ile36Val; replaces isoleucine 36 with valine.
Molecular consequence: missense variant.
Genome position (GRCh38, 1-based): chr12:52,473,632, T>C on the plus strand (A>G on the coding strand, the complement: KRT6C is on the minus strand). VCF-style: chr12-52473632-T-C. GRCh37 (hg19) VCF-style: chr12-52867416-T-C.
Other names: short protein forms I36V.
Identifiers: ClinVar variation 2510813 (VCV002510813.27), dbSNP rs201473468, ClinGen allele CA6581659.
Genomic context (GRCh38, chr12:52,473,632, plus strand): 5'-AGCCAGCTCCTCCACATGCACCACCCAGGCCACCACTGCCCCTGGAGCGGGACACGGAGA[T>C]GCTGCTGAAGCCAGAGCGGCTGACCCCAGGGAGCCTGGCTGAGTTGGCACTGAAACCCCG-3'
Protein context (NP_775109.2, residues 26-46): PGVSRSGFSS[Ile36Val]SVSRSRGSGG